The following is an entry in ClinVar:

ClinVar aggregate classification (germline): Uncertain significance. Review status: criteria provided, multiple submitters, no conflicts (2 of 4 stars). 2 submissions from 2 submitters: Uncertain significance (2). Last evaluated 2023-08-08.

Conditions:
Hereditary cancer-predisposing syndrome. Also called: Hereditary neoplastic syndrome; Tumor predisposition; Neoplastic Syndromes, Hereditary; Hereditary Cancer Syndrome. Identifiers: Orphanet 140162, MedGen C0027672, MeSH D009386, MONDO:0015356.

Allele frequency attached by ClinVar (database versions not stated): gnomAD exomes below 0.00001.
gnomAD v4.1: 1 of 1,613,992 alleles (0.000062%); no homozygotes.

Submissions (2):

Quest Diagnostics Nichols Institute San Juan Capistrano
Classification: Uncertain significance. Last evaluated: 2023-08-08. Review status: criteria provided, single submitter. Criteria: Quest Diagnostics criteria. Collection method: clinical testing. Allele origin: unknown.
Comment: This variant has not been reported in the published literature. The frequency of this variant in the general population, 0.000004 (1/251248 chromosomes (Genome Aggregation Database)), is uninformative in the assessment of its pathogenicity. Analysis of this variant using bioinformatics tools for the prediction of the effect of amino acid changes on protein structure and function yielded predictions that this variant is benign. Based on the available information, we are unable to determine the clinical significance of this variant.

Labcorp Genetics (formerly Invitae), Labcorp
Classification: Uncertain significance for Hereditary cancer-predisposing syndrome. Last evaluated: 2021-05-19. Review status: criteria provided, single submitter. Criteria: Invitae Variant Classification Sherloc (09022015). Collection method: clinical testing. Allele origin: germline.
Comment: This sequence change replaces glutamic acid with glutamine at codon 384 of the RAD50 protein (p.Glu384Gln). The glutamic acid residue is moderately conserved and there is a small physicochemical difference between glutamic acid and glutamine. In summary, the available evidence is currently insufficient to determine the role of this variant in disease. Therefore, it has been classified as a Variant of Uncertain Significance. This variant is not present in population databases (ExAC no frequency). This variant has not been reported in the literature in individuals with RAD50-related conditions. Algorithms developed to predict the effect of missense changes on protein structure and function (SIFT, PolyPhen-2, Align-GVGD) all suggest that this variant is likely to be tolerated, but these predictions have not been confirmed by published functional studies and their clinical significance is uncertain.

NM_005732.4(RAD50):c.1150G>C (p.Glu384Gln)

Gene: RAD50 (RAD50 double strand break repair protein; plus strand). Cytogenetic location: 5q31.1.
Variant type: single nucleotide variant.
Coding change: c.1150G>C on transcript NM_005732.4 (MANE Select); coding-DNA position 1150, G replaced by C.
Protein change: p.Glu384Gln; replaces glutamic acid 384 with glutamine.
Molecular consequence: missense variant.
Genome position (GRCh38, 1-based): chr5:132,588,785, G>C. VCF-style: chr5-132588785-G-C. GRCh37 (hg19) VCF-style: chr5-131924477-G-C.
Other names: short protein forms E384Q.
Identifiers: ClinVar variation 956630 (VCV000956630.11), dbSNP rs1316248605, ClinGen allele CA360942686.